The following is an entry in ClinVar:

ClinVar aggregate classification (germline): Uncertain significance (1 of 4 stars; one submission).

Conditions:
Optic atrophy 3 (OPA3). Also called: OPTIC ATROPHY 3, AUTOSOMAL DOMINANT; Optic atrophy, cataract, and neurologic disorder; Optic atrophy 3 with cataract. Identifiers: Orphanet 67036, MedGen C1833809, MONDO:0008133, OMIM 165300.
3-Methylglutaconic aciduria type 3 (MGCA3). Also called: Costeff Syndrome; OPA3, AUTOSOMAL RECESSIVE; OPTIC ATROPHY 3, AUTOSOMAL RECESSIVE; OPA3-Related 3-Methylglutaconic Aciduria. Identifiers: Orphanet 67047, MedGen C0574084, MONDO:0009787, OMIM 258501.

Allele frequency attached by ClinVar (database versions not stated): gnomAD exomes below 0.00001; ExAC 0.00001.
gnomAD v4.1: 1 of 1,604,934 alleles (0.000062%); highest among the groups gnomAD compares: African/African-American, 0.0013%; no homozygotes.

Submission:

Labcorp Genetics (formerly Invitae), Labcorp
Classification: Uncertain significance for 3-Methylglutaconic aciduria type 3; Optic atrophy 3. Last evaluated: 2021-09-04. Review status: criteria provided, single submitter. Criteria: Invitae Variant Classification Sherloc (09022015). Collection method: clinical testing. Allele origin: germline.
Comment: In summary, the available evidence is currently insufficient to determine the role of this variant in disease. Therefore, it has been classified as a Variant of Uncertain Significance. Algorithms developed to predict the effect of missense changes on protein structure and function (SIFT, PolyPhen-2, Align-GVGD) all suggest that this variant is likely to be tolerated. This variant has not been reported in the literature in individuals affected with OPA3-related conditions. This variant is present in population databases (rs758982194, ExAC 0.01%). This sequence change replaces alanine with glutamic acid at codon 132 of the OPA3 protein (p.Ala132Glu). The alanine residue is moderately conserved and there is a moderate physicochemical difference between alanine and glutamic acid.

NM_025136.4(OPA3):c.395C>A (p.Ala132Glu)

Genes: OPA3 (outer mitochondrial membrane lipid metabolism regulator OPA3; minus strand), OPA3-RTN2 (OPA3-RTN2 readthrough; minus strand). Cytogenetic location: 19q13.32.
Variant type: single nucleotide variant.
Coding change: c.395C>A on transcript NM_025136.4 (MANE Select); coding-DNA position 395, C replaced by A.
Protein change: p.Ala132Glu; replaces alanine 132 with glutamic acid.
Molecular consequence: missense variant. On other transcripts: intron variant (1).
Genome position (GRCh38, 1-based): chr19:45,553,659, G>T on the plus strand (C>A on the coding strand, the complement: OPA3 is on the minus strand). VCF-style: chr19-45553659-G-T. GRCh37 (hg19) VCF-style: chr19-46056917-G-T.
Other names: c.143-24203C>A (NM_001017989.3); short protein forms A132E.
Identifiers: ClinVar variation 1351027 (VCV001351027.6), dbSNP rs758982194, ClinGen allele CA9517402.